The following is an entry in ClinVar:

NM_198253.3(TERT):c.2653A>G (p.Arg885Gly)

Gene: TERT (telomerase reverse transcriptase; minus strand). Cytogenetic location: 5p15.33.
Variant type: single nucleotide variant.
Coding change: c.2653A>G on transcript NM_198253.3 (MANE Select); coding-DNA position 2653, A replaced by G.
Protein change: p.Arg885Gly; replaces arginine 885 with glycine.
Molecular consequence: missense variant. On other transcripts: non-coding transcript variant (2).
Genome position (GRCh38, 1-based): chr5:1,266,465, T>C on the plus strand (A>G on the coding strand, the complement: TERT is on the minus strand). VCF-style: chr5-1266465-T-C. GRCh37 (hg19) VCF-style: chr5-1266580-T-C.
Other names: c.2653A>G, p.Ser885Gly (NM_001193376.3); c.2653A>G, p.Arg885Gly (NM_003219.1); short protein forms R885G, S885G.
Identifiers: ClinVar variation 3238570 (VCV003238570.1), dbSNP rs2478165422.
Genomic context (GRCh38, chr5:1,266,465, plus strand): 5'-CTCAACTGCAAAGCCCACAGGCTGTGGAGGTCCCCACAGACACACGGCACGGGCCTCACC[T>C]GAGGAAGGTTTTCGCGTGGGTGAGGTGAGGTGTCACCAACAAGAAATCATCCACCAAACG-3'
Protein context (NP_937983.2, residues 875-895): PHLTHAKTFL[Arg885Gly]TLVRGVPEYG

ClinVar aggregate classification (germline): Uncertain significance (1 of 4 stars; one submission).

Conditions:
Dyskeratosis congenita. Identifiers: Orphanet 1775, MedGen C0265965, MONDO:0015780.

Submission:

Ambry Genetics
Classification: Uncertain significance for Dyskeratosis congenita. Last evaluated: 2024-03-10. Review status: criteria provided, single submitter. Criteria: Ambry Variant Classification Scheme 2023. Collection method: clinical testing. Allele origin: germline.
Comment: The p.R885G variant (also known as c.2653A>G), located in coding exon 10 of the TERT gene, results from an A to G substitution at nucleotide position 2653. The arginine at codon 885 is replaced by glycine, an amino acid with dissimilar properties. This amino acid position is conserved. In addition, the in silico prediction for this alteration is inconclusive. Based on the available evidence, the clinical significance of this alteration remains unclear.